The following is an entry in ClinVar:

ClinVar aggregate classification (germline): Uncertain significance (1 of 4 stars; one submission).

Conditions:
Epilepsy, childhood absence, susceptibility to, 1. Also called: Epilepsy, childhood absence 1. Identifiers: Orphanet 64280, MedGen C1838604, MONDO:0020759, OMIM 600131.
Epilepsy, childhood absence, susceptibility to, 5. Identifiers: Orphanet 64280, MedGen C2677087, MONDO:0012843, OMIM 612269.

Allele frequency attached by ClinVar (database versions not stated): gnomAD exomes below 0.00001.
gnomAD v4.1: 1 of 1,578,990 alleles (0.000063%); highest among the groups gnomAD compares: Non-Finnish European, 0.000086%; no homozygotes.

Submission:

Labcorp Genetics (formerly Invitae), Labcorp
Classification: Uncertain significance for Epilepsy, childhood absence, susceptibility to, 5; Epilepsy, childhood absence, susceptibility to, 1. Last evaluated: 2022-07-25. Review status: criteria provided, single submitter. Criteria: Invitae Variant Classification Sherloc (09022015). Collection method: clinical testing. Allele origin: germline.
Comment: This sequence change replaces tyrosine, which is neutral and polar, with cysteine, which is neutral and slightly polar, at codon 48 of the GABRB3 protein (p.Tyr48Cys). This variant is not present in population databases (gnomAD no frequency). This variant has not been reported in the literature in individuals affected with GABRB3-related conditions. ClinVar contains an entry for this variant (Variation ID: 1474854). Advanced modeling of protein sequence and biophysical properties (such as structural, functional, and spatial information, amino acid conservation, physicochemical variation, residue mobility, and thermodynamic stability) performed at Invitae indicates that this missense variant is expected to disrupt GABRB3 protein function. In summary, the available evidence is currently insufficient to determine the role of this variant in disease. Therefore, it has been classified as a Variant of Uncertain Significance.

NM_000814.6(GABRB3):c.143A>G (p.Tyr48Cys)

Gene: GABRB3 (gamma-aminobutyric acid type A receptor subunit beta3; minus strand). Cytogenetic location: 15q12.
Variant type: single nucleotide variant.
Coding change: c.143A>G on transcript NM_000814.6 (MANE Select); coding-DNA position 143, A replaced by G.
Protein change: p.Tyr48Cys; replaces tyrosine 48 with cysteine.
Molecular consequence: missense variant. On other transcripts: 5 prime UTR variant (1).
Genome position (GRCh38, 1-based): chr15:26,772,710, T>C on the plus strand (A>G on the coding strand, the complement: GABRB3 is on the minus strand). VCF-style: chr15-26772710-T-C. GRCh37 (hg19) VCF-style: chr15-27017857-T-C.
Other names: c.-209A>G (NM_001278631.2); c.143A>G, p.Tyr48Cys (NM_021912.5); short protein forms Y48C.
Identifiers: ClinVar variation 1474854 (VCV001474854.6), dbSNP rs2140199598, ClinGen allele CA391465393.